The following is an entry in ClinVar:

ClinVar aggregate classification (germline): Pathogenic/Likely pathogenic. Review status: criteria provided, multiple submitters, no conflicts (2 of 4 stars). 3 submissions from 3 submitters: Pathogenic (2); Likely pathogenic (1). Last evaluated 2026-04-15.

Conditions:
LAMA3-related disorder. Also called: LAMA3-related disorders; LAMA3-related condition.
Epidermolysis bullosa, junctional 2B, severe. Also called: EPIDERMOLYSIS BULLOSA, JUNCTIONAL 2B, GENERALIZED SEVERE; EPIDERMOLYSIS BULLOSA, JUNCTIONAL 2B, HERLITZ TYPE. Identifiers: MedGen C5676937, MONDO:0030747, OMIM 619784.

Submissions (3):

PreventionGenetics, part of Exact Sciences
Classification: Likely pathogenic for LAMA3-related condition. Last evaluated: 2026-04-15. Review status: criteria provided, single submitter. Criteria: ACMG Guidelines, 2015. Collection method: clinical testing. Allele origin: germline.
Comment: The LAMA3 c.3609+1G>A variant is predicted to disrupt the GT donor site and interfere with normal splicing. This variant (also reported as c.8436+1G>A in NM_198129) has been reported in multiple members of a Bedouin family presenting with junctional type epidermolysis bullosa (Al-Dewik et al. 2018. PubMed ID: 30264509) and in the heterozygous state in an individual presenting with muscular dystrophy who was also positive for an uncertain variant in TUBGCP6 (Patient 47a, Table 1, Abdel Aleem et al. 2020. PubMed ID: 32444167). This variant has not been reported in a large population database (gnomAD), indicating this variant is rare. Variants that disrupt the consensus splice donor site in LAMA3 are expected to be pathogenic. This variant is interpreted as likely pathogenic.

Genomic Medicine Center of Excellence, King Faisal Specialist Hospital and Research Centre
Classification: Pathogenic for Epidermolysis bullosa, junctional 2B, severe. Last evaluated: 2024-04-04. Review status: criteria provided, single submitter. Criteria: ACMG Guidelines, 2015. Collection method: clinical testing. Allele origin: germline.

GeneDx
Classification: Pathogenic. Last evaluated: 2021-11-01. Review status: criteria provided, single submitter. Criteria: GeneDx Variant Classification Process June 2021. Collection method: clinical testing. Allele origin: germline. Affected: yes.
Comment: Canonical splice site variant predicted to result in an in-frame deletion exon 27; Not observed in large population cohorts (Lek et al., 2016); This variant is associated with the following publications: (PMID: 30264509, 32444167)

NM_198129.4(LAMA3):c.8436+1G>A

Gene: LAMA3 (laminin subunit alpha 3; plus strand). Cytogenetic location: 18q11.2.
Variant type: single nucleotide variant.
Coding change: c.8436+1G>A on transcript NM_198129.4 (MANE Select); the canonical splice donor site of the intron after coding-DNA position 8436, G replaced by A.
Molecular consequence: splice donor variant.
Genome position (GRCh38, 1-based): chr18:23,928,766, G>A. VCF-style: chr18-23928766-G-A. GRCh37 (hg19) VCF-style: chr18-21508730-G-A.
Other names: c.3609+1G>A (NM_000227.4, NM_000227.6); c.8436+1G>A (NM_198129.2); c.8268+1G>A (NM_001127717.4); c.3441+1G>A (NM_001127718.4).
Identifiers: ClinVar variation 265228 (VCV000265228.8), dbSNP rs886039412, ClinGen allele CA10588677.